The following is an entry in ClinVar:

ClinVar aggregate classification (germline): Pathogenic (1 of 4 stars; one submission).

Allele frequency attached by ClinVar (database versions not stated): gnomAD exomes 0.00001; ExAC 0.00002.
gnomAD v4.1: 4 of 1,614,116 alleles (0.00025%); highest among the groups gnomAD compares: Non-Finnish European, 0.00034%; no homozygotes.

Submission:

Labcorp Genetics (formerly Invitae), Labcorp
Classification: Pathogenic. Last evaluated: 2023-05-22. Review status: criteria provided, single submitter. Criteria: Invitae Variant Classification Sherloc (09022015). Collection method: clinical testing. Allele origin: germline.
Comment: This sequence change creates a premature translational stop signal (p.Gln1267*) in the CEP250 gene. It is expected to result in an absent or disrupted protein product. Loss-of-function variants in CEP250 are known to be pathogenic (PMID: 24780881, 29718797). For these reasons, this variant has been classified as Pathogenic. ClinVar contains an entry for this variant (Variation ID: 1453068). This variant has not been reported in the literature in individuals affected with CEP250-related conditions. This variant is present in population databases (rs200644575, gnomAD 0.002%).

Literature cited by the submitters: PubMed 24780881; PubMed 29718797.

NM_007186.6(CEP250):c.3799C>T (p.Gln1267Ter)

Gene: CEP250 (centrosomal protein 250; plus strand). Cytogenetic location: 20q11.22.
Variant type: single nucleotide variant.
Coding change: c.3799C>T on transcript NM_007186.6 (MANE Select); coding-DNA position 3799, C replaced by T.
Protein change: p.Gln1267Ter; replaces glutamine 1267 with a stop codon.
Molecular consequence: nonsense.
Genome position (GRCh38, 1-based): chr20:35,500,070, C>T. VCF-style: chr20-35500070-C-T. GRCh37 (hg19) VCF-style: chr20-34087899-C-T.
Other names: c.1903C>T, p.Gln635Ter (NM_001318219.1); short protein forms Q635*, Q1267*.
Identifiers: ClinVar variation 1453068 (VCV001453068.6), dbSNP rs200644575, ClinGen allele CA9833578.
Genomic context (GRCh38, chr20:35,500,070, plus strand): 5'-ATGAGGAACTCACGTTTAGCCATGCCCTTCCTTTCCCAGGATGTTCTGAGGGATCAGGTC[C>T]AGAAACTGGAAGAGCGTCTAACTGATACTGAGGCTGAGAAGAGCCAGGTCCACACAGAGT-3'